The following is an entry in ClinVar:

ClinVar aggregate classification (germline): Pathogenic/Likely pathogenic. Review status: criteria provided, multiple submitters, no conflicts (2 of 4 stars). 3 submissions from 3 submitters: Pathogenic (1); Likely pathogenic (2). Last evaluated 2024-03-29.

Conditions:
Jeune thoracic dystrophy. Also called: Infantile thoracic dystrophy; Thoracic pelvic phalangeal dystrophy; Jeune's syndrome; Chondroectodermal dysplasia-like syndrome; Jeune syndrome; Short-rib thoracic dysplasia. Identifiers: Orphanet 474, MedGen C0265275, MONDO:0018770.
Nephronophthisis. Also called: Juvenile Nephronophthisis. Identifiers: Orphanet 655, MedGen C0687120, MONDO:0019005, HP:0000090.
TTC21B-related disorder. Also called: TTC21B-related disorders; TTC21B-related condition.
Asphyxiating thoracic dystrophy 4 (SRTD4). Also called: SHORT-RIB THORACIC DYSPLASIA 4; SHORT-RIB THORACIC DYSPLASIA 4 WITH OR WITHOUT POLYDACTYLY. Identifiers: Orphanet 474, MedGen C3151185, MONDO:0013441, OMIM 613819.
Nephronophthisis 12 (NPHP12). Identifiers: Orphanet 655, MedGen C3151186, MONDO:0013442, OMIM 613820.

gnomAD v4.1: 6 of 1,606,200 alleles (0.00037%); highest among the groups gnomAD compares: Non-Finnish European, 0.00043%; no homozygotes.

Submissions (3):

Blueprint Genetics
Classification: Likely pathogenic for TTC21B-related disorders. Last evaluated: 2024-03-29. Review status: criteria provided, single submitter. Criteria: ACMG Guidelines, 2015. Collection method: clinical testing. Allele origin: germline. Affected: yes. Observed: 2 variant alleles.

Fulgent Genetics
Classification: Likely pathogenic for Asphyxiating thoracic dystrophy 4; Nephronophthisis 12. Last evaluated: 2024-01-16. Review status: criteria provided, single submitter. Criteria: ACMG Guidelines, 2015. Collection method: clinical testing. Allele origin: germline.

Labcorp Genetics (formerly Invitae), Labcorp
Classification: Pathogenic for Jeune thoracic dystrophy; Nephronophthisis. Last evaluated: 2022-12-27. Review status: criteria provided, single submitter. Criteria: Invitae Variant Classification Sherloc (09022015). Collection method: clinical testing. Allele origin: germline.
Comment: Disruption of this splice site has been observed in individual(s) with TTC21B-related conditions (PMID: 33547761). In at least one individual the data is consistent with being in trans (on the opposite chromosome) from a pathogenic variant. For these reasons, this variant has been classified as Pathogenic. Algorithms developed to predict the effect of sequence changes on RNA splicing suggest that this variant may disrupt the consensus splice site. This variant is not present in population databases (gnomAD no frequency). This sequence change affects an acceptor splice site in intron 9 of the TTC21B gene. It is expected to disrupt RNA splicing. Variants that disrupt the donor or acceptor splice site typically lead to a loss of protein function (PMID: 16199547), and loss-of-function variants in TTC21B are known to be pathogenic (PMID: 18327258, 21068128, 21258341, 23559409, 24876116, 25492405, 27491411, 29068549).

Literature cited by the submitters: PubMed 33547761 (cited by Labcorp Genetics (formerly Invitae), Labcorp); PubMed 16199547 (cited by Labcorp Genetics (formerly Invitae), Labcorp); PubMed 18327258 (cited by Labcorp Genetics (formerly Invitae), Labcorp); PubMed 21068128 (cited by Labcorp Genetics (formerly Invitae), Labcorp); PubMed 21258341 (cited by Labcorp Genetics (formerly Invitae), Labcorp); PubMed 23559409 (cited by Labcorp Genetics (formerly Invitae), Labcorp); PubMed 24876116 (cited by Labcorp Genetics (formerly Invitae), Labcorp); PubMed 25492405 (cited by Labcorp Genetics (formerly Invitae), Labcorp); PubMed 27491411 (cited by Labcorp Genetics (formerly Invitae), Labcorp); PubMed 29068549 (cited by Labcorp Genetics (formerly Invitae), Labcorp).

NM_024753.5(TTC21B):c.1088-1G>A

Gene: TTC21B (tetratricopeptide repeat domain 21B; minus strand). Cytogenetic location: 2q24.3.
Variant type: single nucleotide variant.
Coding change: c.1088-1G>A on transcript NM_024753.5 (MANE Select); the canonical splice acceptor site of the intron before coding-DNA position 1088, G replaced by A.
Molecular consequence: splice acceptor variant.
Genome position (GRCh38, 1-based): chr2:165,929,748, C>T on the plus strand (G>A on the coding strand, the complement: TTC21B is on the minus strand). VCF-style: chr2-165929748-C-T. GRCh37 (hg19) VCF-style: chr2-166786258-C-T.
Identifiers: ClinVar variation 2934957 (VCV002934957.5), dbSNP rs753627675, ClinGen allele CA349066391.
Genomic context (GRCh38, chr2:165,929,748, plus strand): 5'-ATTCTAGCTGCTGATCTGCATCCTGTAATTGCCCTTCTATCAACTGACATTGGATAAATC[C>T]TAAAATCAAACAGCAGAAAGACAGTCAAAGTCCACACCAATTCAGGGATGCACTCTTCAA-3'